The following is an entry in ClinVar:

NM_000059.4(BRCA2):c.3860dup (p.Asn1287fs)

Gene: BRCA2 (BRCA2 DNA repair associated; plus strand). Cytogenetic location: 13q13.1.
Variant type: Duplication.
Coding change: c.3860dup on transcript NM_000059.4 (MANE Select); coding-DNA position 3860, one base duplicated (A; older notation c.3860dupA).
Protein change: p.Asn1287fs; shifts the reading frame from asparagine 1287.
Molecular consequence: frameshift variant.
Genome position (GRCh38, 1-based): chr13:32,338,215, A duplicated; the last of 7 consecutive A bases (chr13:32,338,209-32,338,215); duplicating any one gives the same sequence. VCF-style (leftmost placement, unchanged base first): chr13-32338208-G-GA. GRCh37 (hg19) VCF-style: chr13-32912345-G-GA.
Other names: 4088insA; c.3860dupA (NM_000059.3); short protein forms N1287fs.
Identifiers: ClinVar variation 51546 (VCV000051546.40), dbSNP rs80359406, ClinGen allele CA018986.

ClinVar aggregate classification (germline): Pathogenic. Review status: reviewed by expert panel (3 of 4 stars). 16 submissions from 16 submitters: Pathogenic (1). 15 of the submissions do not count toward it. Last evaluated 2016-09-08.

Conditions:
BRCA2-related disorder. Also called: BRCA2-related condition; BRCA2-related disorders. Identifiers: MedGen CN239275.
Hereditary cancer-predisposing syndrome. Also called: Tumor predisposition; Neoplastic Syndromes, Hereditary; Hereditary neoplastic syndrome; Hereditary Cancer Syndrome. Identifiers: Orphanet 140162, MedGen C0027672, MeSH D009386, MONDO:0015356.
Hereditary breast ovarian cancer syndrome. Also called: Hereditary breast and ovarian cancer; BRCA1- and BRCA2-Associated Hereditary Breast and Ovarian Cancer; Hereditary breast and/or ovarian cancer syndrome; Hereditary breast and ovarian cancer syndrome; Breast and ovarian cancer; Hereditary breast and ovarian cancer syndrome (HBOC). Identifiers: Orphanet 145, MedGen C0677776, MeSH D061325, MONDO:0003582. Disease mechanism: loss of function.
Breast-ovarian cancer, familial, susceptibility to, 2 (BROVCA2). Also called: BRCA2 Hereditary Breast and Ovarian Cancer. Identifiers: Orphanet 145, MedGen C2675520, MONDO:0012933, OMIM 612555. Disease mechanism: loss of function.
Familial cancer of breast. Also called: BREAST CANCER, FAMILIAL; hereditary breast carcinoma; Hereditary breast cancer. Identifiers: Orphanet 227535, MedGen C0346153, MONDO:0016419, OMIM 114480. Disease mechanism: loss of function.

Submissions (16):

Evidence-based Network for the Interpretation of Germline Mutant Alleles (ENIGMA)
Classification: Pathogenic for Breast-ovarian cancer, familial, susceptibility to, 2. Last evaluated: 2016-09-08. Review status: reviewed by expert panel. Criteria: ENIGMA BRCA1/2 Classification Criteria (2015). Collection method: curation. Allele origin: germline.
Comment: Variant allele predicted to encode a truncated non-functional protein.

Dasa
Classification: Pathogenic for Breast-ovarian cancer, familial, susceptibility to, 2. Last evaluated: 2025-12-26. Review status: criteria provided, single submitter. Criteria: DASA Assertion Criteria. Collection method: clinical testing. Allele origin: germline. Not counted in ClinVar's aggregate classification.
Comment: NM_000059.4(BRCA2):c.3860dup (p.Asn1287Lysfs*2) introduces a premature termination codon predicted to result in loss of normal protein function. Loss-of-function is an established mechanism of disease for this gene. The variant is present at low frequency in population datasets. Based on the available data, this variant is classified as pathogenic.

3billion
Classification: Pathogenic for Breast-ovarian cancer, familial, susceptibility to, 2. Last evaluated: 2025-07-02. Review status: criteria provided, single submitter. Criteria: ACMG Guidelines, 2015. Collection method: clinical testing. Allele origin: germline. Affected: yes. Not counted in ClinVar's aggregate classification.
Comment: The variant is observed at an extremely low frequency in the gnomAD v4.1.0 dataset (total allele frequency: <0.001%). Predicted Consequence/Location: Frameshift: predicted to result in a loss or disruption of normal protein function through nonsense-mediated decay (NMD) or protein truncation. Multiple pathogenic variants are reported downstream of the variant. The variant has been reported multiple times as an established pathogenic variant (ClinVar ID: VCV000051546 /PMID: 11039575). Therefore, this variant is classified as Pathogenic according to the recommendation of ACMG/AMP guideline.

Labcorp Genetics (formerly Invitae), Labcorp
Classification: Pathogenic for Hereditary breast ovarian cancer syndrome. Last evaluated: 2024-08-31. Review status: criteria provided, single submitter. Criteria: Invitae Variant Classification Sherloc (09022015). Collection method: clinical testing. Allele origin: germline. Not counted in ClinVar's aggregate classification.
Comment: This sequence change creates a premature translational stop signal (p.Asn1287Lysfs*2) in the BRCA2 gene. It is expected to result in an absent or disrupted protein product. Loss-of-function variants in BRCA2 are known to be pathogenic (PMID: 20104584). This variant is not present in population databases (gnomAD no frequency). This premature translational stop signal has been observed in individual(s) with or at high risk of breast and/or ovarian cancer and hereditary breast and ovarian cancer (HBOC) (PMID: 11039575, 18214034, 29446198). It has also been observed to segregate with disease in related individuals. This variant is also known as 4081insA or 4088insA. ClinVar contains an entry for this variant (Variation ID: 51546). For these reasons, this variant has been classified as Pathogenic.

Color Diagnostics, LLC DBA Color Health
Classification: Pathogenic for Hereditary cancer-predisposing syndrome. Last evaluated: 2024-06-24. Review status: criteria provided, single submitter. Criteria: ACMG Guidelines, 2015. Collection method: clinical testing. Allele origin: germline. Not counted in ClinVar's aggregate classification.
Comment: This variant inserts 1 nucleotide in exon 11 of the BRCA2 gene, creating a frameshift and premature translation stop signal. This variant is expected to result in an absent or non-functional protein product. This variant is also known as 4088insA and 4081insA in the literature. This variant has been reported in individuals with a personal or family history of breast and/or ovarian cancer (PMID: 11039575, 15642173, 18214034, 29446198). It has been shown that this variant segregates with disease in five individuals of one family (PMID: 18214034). This variant has not been identified in the general population by the Genome Aggregation Database (gnomAD). Loss of BRCA2 function is a known mechanism of disease. Based on the available evidence, this variant is classified as Pathogenic.

Baylor Genetics
Classification: Pathogenic for Familial cancer of breast. Last evaluated: 2023-05-19. Review status: criteria provided, single submitter. Criteria: ACMG Guidelines, 2015. Collection method: clinical testing. Allele origin: unknown. Not counted in ClinVar's aggregate classification.

Ambry Genetics
Classification: Pathogenic for Hereditary cancer-predisposing syndrome. Last evaluated: 2023-05-16. Review status: criteria provided, single submitter. Criteria: Ambry Variant Classification Scheme 2023. Collection method: clinical testing. Allele origin: germline. Not counted in ClinVar's aggregate classification.
Comment: The c.3860dupA pathogenic mutation, located in coding exon 10 of the BRCA2 gene, results from a duplication of A at nucleotide position 3860, causing a translational frameshift with a predicted alternate stop codon (p.N1287Kfs*2). This alteration segregated in a Finnish family with histories of breast, ovarian, and prostate cancer (Hartikainen JM et al. Anticancer Res., 2007 27(6C):4295-300). Of note, this alteration is also designated as 4088insA in the published literature. This variant is considered to be rare based on population cohorts in the Genome Aggregation Database (gnomAD). In addition to the clinical data presented in the literature, this alteration is expected to result in loss of function by premature protein truncation or nonsense-mediated mRNA decay. As such, this alteration is interpreted as a disease-causing mutation.

Revvity Omics, Revvity
Classification: Pathogenic. Last evaluated: 2023-03-30. Review status: criteria provided, single submitter. Criteria: ACMG Guidelines, 2015. Collection method: clinical testing. Allele origin: germline. Not counted in ClinVar's aggregate classification.

Blueprint Genetics
Classification: Pathogenic for BRCA2-related disorders. Last evaluated: 2020-06-25. Review status: criteria provided, single submitter. Criteria: ACMG Guidelines, 2015. Collection method: clinical testing. Allele origin: germline. Affected: yes. Observed: 1 variant allele. Not counted in ClinVar's aggregate classification.

Quest Diagnostics Nichols Institute San Juan Capistrano
Classification: Pathogenic. Last evaluated: 2018-07-08. Review status: criteria provided, single submitter. Criteria: Quest Diagnostics criteria. Collection method: clinical testing. Allele origin: germline. Not counted in ClinVar's aggregate classification.

GeneDx
Classification: Pathogenic. Last evaluated: 2017-06-02. Review status: criteria provided, single submitter. Criteria: GeneDx Variant Classification (06012015). Collection method: clinical testing. Allele origin: germline. Affected: yes. Not counted in ClinVar's aggregate classification.
Comment: This duplication of one nucleotide is denoted BRCA2 c.3860dupA at the cDNA level and p.Asn1287LysfsX2 (N1287KfsX2) at the protein level. The normal sequence, with the base that is duplicated in brackets, is GAAAAAA[dupA]TAAT. The duplication causes a frameshift, which changes an Asparagine to a Lysine at codon 1287, and creates a premature stop codon at position 2 of the new reading frame. This variant is predicted to cause loss of normal protein function through either protein truncation or nonsense-mediated mRNA decay. BRCA2 3860dupA, previously reported as 4081insA or 4088insA, has been observed previously in association with breast and/or ovarian cancer and is reported to be a founder variant in the Finnish population (Sarantaus 2000, Hartikainen 2007, Karami 2013). We consider this variant to be pathogenic.

Consortium of Investigators of Modifiers of BRCA1/2 (CIMBA), c/o University of Cambridge
Classification: Pathogenic for Breast-ovarian cancer, familial, susceptibility to, 2. Last evaluated: 2015-10-02. Review status: criteria provided, single submitter. Criteria: CIMBA Mutation Classification guidelines May 2016. Collection method: clinical testing. Allele origin: germline. Not counted in ClinVar's aggregate classification.

BRCAlab, Lund University
Classification: Pathogenic for Breast-ovarian cancer, familial, susceptibility to, 2. Last evaluated: 2020-03-02. Review status: no assertion criteria provided. Collection method: clinical testing. Allele origin: germline. Affected: yes. Not counted in ClinVar's aggregate classification.

Counsyl
Classification: Pathogenic for Breast-ovarian cancer, familial, susceptibility to, 2. Last evaluated: 2017-02-21. Review status: no assertion criteria provided. Collection method: clinical testing. Allele origin: unknown. Not counted in ClinVar's aggregate classification.

Research Molecular Genetics Laboratory, Women's College Hospital, University of Toronto
Classification: Pathogenic for Hereditary breast ovarian cancer syndrome. Last evaluated: 2014-01-31. Review status: no assertion criteria provided. Collection method: research. Allele origin: germline. Affected: yes. Study: The Canadian Open Genetics Repository (COGR). Not counted in ClinVar's aggregate classification.

Breast Cancer Information Core (BIC) (BRCA2)
Classification: Pathogenic for Breast-ovarian cancer, familial 2. Last evaluated: 2002-05-29. Review status: no assertion criteria provided. Collection method: clinical testing. Allele origin: germline. Affected: yes. Observed: 1 variant allele. Not counted in ClinVar's aggregate classification.

Literature cited by the submitters: PubMed 11039575 (cited by 4 submitters); PubMed 20104584 (cited by Labcorp Genetics (formerly Invitae), Labcorp); PubMed 18214034 (cited by 4 submitters); PubMed 29446198 (cited by Labcorp Genetics (formerly Invitae), Labcorp and Color Diagnostics, LLC DBA Color Health); PubMed 15642173 (cited by Color Diagnostics, LLC DBA Color Health and Counsyl); PubMed 26681312 (cited by Ambry Genetics).